The following is an entry in ClinVar:

ClinVar aggregate classification (germline): Pathogenic/Likely pathogenic. Review status: criteria provided, multiple submitters, no conflicts (2 of 4 stars). 2 submissions from 2 submitters: Pathogenic (1); Likely pathogenic (1). Last evaluated 2024-09-04.

Conditions:
Primary ciliary dyskinesia. Also called: Ciliary dyskinesia. Identifiers: Orphanet 244, MedGen C0008780, MONDO:0016575, HP:0012265.
Kartagener syndrome (CILD1). Also called: CILIARY DYSKINESIA, PRIMARY, 1; CILIARY DYSKINESIA, PRIMARY, 1, WITH OR WITHOUT SITUS INVERSUS; IMMOTILE CILIA SYNDROME; POLYNESIAN BRONCHIECTASIS; Dextrocardia bronchiectasis and sinusitis; SIEWERT SYNDROME. Identifiers: Orphanet 244, MedGen C4551906, MONDO:0009484, OMIM 244400.

Allele frequency attached by ClinVar (database versions not stated): TOPMed below 0.00001; gnomAD 0.00001.

Submissions (2):

Revvity Omics, Revvity
Classification: Likely pathogenic for Kartagener syndrome. Last evaluated: 2024-09-04. Review status: criteria provided, single submitter. Criteria: ACMG Guidelines, 2015. Collection method: clinical testing. Allele origin: germline.

Labcorp Genetics (formerly Invitae), Labcorp
Classification: Pathogenic for Primary ciliary dyskinesia. Last evaluated: 2023-09-26. Review status: criteria provided, single submitter. Criteria: Invitae Variant Classification Sherloc (09022015). Collection method: clinical testing. Allele origin: germline.
Comment: This sequence change creates a premature translational stop signal (p.Gln200*) in the DNAI1 gene. It is expected to result in an absent or disrupted protein product. Loss-of-function variants in DNAI1 are known to be pathogenic (PMID: 16858015, 29363216). This variant is not present in population databases (gnomAD no frequency). This variant has not been reported in the literature in individuals affected with DNAI1-related conditions. ClinVar contains an entry for this variant (Variation ID: 1364355). Algorithms developed to predict the effect of sequence changes on RNA splicing suggest that this variant may create or strengthen a splice site. For these reasons, this variant has been classified as Pathogenic.

Literature cited by the submitters: PubMed 16858015 (cited by Labcorp Genetics (formerly Invitae), Labcorp); PubMed 29363216 (cited by Labcorp Genetics (formerly Invitae), Labcorp).

NM_012144.4(DNAI1):c.598C>T (p.Gln200Ter)

Gene: DNAI1 (dynein axonemal intermediate chain 1; plus strand). Cytogenetic location: 9p13.3.
Variant type: single nucleotide variant.
Coding change: c.598C>T on transcript NM_012144.4 (MANE Select); coding-DNA position 598, C replaced by T.
Protein change: p.Gln200Ter; replaces glutamine 200 with a stop codon.
Molecular consequence: nonsense.
Genome position (GRCh38, 1-based): chr9:34,490,465, C>T. VCF-style: chr9-34490465-C-T. GRCh37 (hg19) VCF-style: chr9-34490463-C-T.
Other names: c.610C>T, p.Gln204Ter (NM_001281428.2); short protein forms Q204*, Q200*.
Identifiers: ClinVar variation 1364355 (VCV001364355.7), dbSNP rs763505357, ClinGen allele CA373247207.